The following is an entry in ClinVar:

NM_000051.4(ATM):c.2377-2A>T

Gene: ATM (ATM serine/threonine kinase; plus strand). Cytogenetic location: 11q22.3.
Variant type: single nucleotide variant.
Coding change: c.2377-2A>T on transcript NM_000051.4 (MANE Select); the canonical splice acceptor site of the intron before coding-DNA position 2377, A replaced by T.
Molecular consequence: splice acceptor variant.
Genome position (GRCh38, 1-based): chr11:108,258,984, A>T. VCF-style: chr11-108258984-A-T. GRCh37 (hg19) VCF-style: chr11-108129711-A-T.
Other names: c.2377-2A>T (NM_001351834.2).
Identifiers: ClinVar variation 1523338 (VCV001523338.6), dbSNP rs1057516553, ClinGen allele CA382540985.
Genomic context (GRCh38, chr11:108,258,984, plus strand): 5'-TCTGCCAAGAATAATTGTTTTTATTTCTTTGTTGCTTGGTTCTTTGTTTGTCTTAATTGC[A>T]GAAGAGTCCAAATAAGATTGCATCTGGCTTTTTCCTGCGATTGTTAACATCAAAGCTAAT-3'

ClinVar aggregate classification (germline): Likely pathogenic (1 of 4 stars; one submission).

Conditions:
Ataxia-telangiectasia syndrome (AT). Also called: Ataxia-telangiectasia, complementation group E; Cerebello-oculocutaneous telangiectasia; Immunodeficiency with ataxia telangiectasia; ATAXIA-TELANGIECTASIA, COMPLEMENTATION GROUP A; ATAXIA-TELANGIECTASIA, FRESNO VARIANT; Ataxia-telangiectasia, complementation group D. Identifiers: Orphanet 100, MedGen C0004135, MONDO:0008840, OMIM 208900.

Submission:

Labcorp Genetics (formerly Invitae), Labcorp
Classification: Likely pathogenic for Ataxia-telangiectasia syndrome. Last evaluated: 2024-10-21. Review status: criteria provided, single submitter. Criteria: Invitae Variant Classification Sherloc (09022015). Collection method: clinical testing. Allele origin: germline.
Comment: This sequence change affects an acceptor splice site in intron 15 of the ATM gene. It is expected to disrupt RNA splicing. Variants that disrupt the donor or acceptor splice site typically lead to a loss of protein function (PMID: 16199547), and loss-of-function variants in ATM are known to be pathogenic (PMID: 23807571, 25614872). This variant is not present in population databases (gnomAD no frequency). Disruption of this splice site has been observed in individual(s) with breast and/or ovarian cancer and/or Sezary syndrome (PMID: 27039262, 30982232, 36853301). ClinVar contains an entry for this variant (Variation ID: 1523338). Algorithms developed to predict the effect of sequence changes on RNA splicing suggest that this variant may disrupt the consensus splice site. In summary, the currently available evidence indicates that the variant is pathogenic, but additional data are needed to prove that conclusively. Therefore, this variant has been classified as Likely Pathogenic.

Literature cited by the submitters: PubMed 16199547; PubMed 23807571; PubMed 25614872; PubMed 27039262; PubMed 30982232; PubMed 36853301.